The following is an entry in ClinVar:

ClinVar aggregate classification (germline): Uncertain significance (1 of 4 stars; one submission).

Conditions:
Familial thoracic aortic aneurysm and aortic dissection (TAAD). Also called: Thoracic aortic aneurysms and dissections. Identifiers: Orphanet 91387, MedGen C4707243, MONDO:0019625.

Submission:

All of Us Research Program, National Institutes of Health
Classification: Uncertain significance for Familial thoracic aortic aneurysm and aortic dissection. Last evaluated: 2023-11-20. Review status: criteria provided, single submitter. Criteria: ACMG Guidelines, 2015. Collection method: clinical testing. Allele origin: germline. Inheritance: Autosomal dominant inheritance. Observed: 1 variant allele, 1 heterozygote.
Comment: This missense variant replaces asparagine with histidine at codon 897 of the MYH11 protein. Computational prediction suggests that this variant may not impact protein structure and function (internally defined REVEL score threshold <= 0.5, PMID: 27666373). To our knowledge, functional studies have not been reported for this variant. This variant has not been reported in individuals affected with MYH11-related disorders in the literature. This variant has not been identified in the general population by the Genome Aggregation Database (gnomAD). The available evidence is insufficient to determine the role of this variant in disease conclusively. Therefore, this variant is classified as a Variant of Uncertain Significance.

This study involves interpretation of variants in research participants for the purpose of population health screening. Participant phenotype was not available at the time of variant classification. Additional details can be found in publication PMID: 35346344, PMCID: PMC8962531

NM_002474.3(MYH11):c.2668A>C (p.Asn890His)

Gene: MYH11 (myosin heavy chain 11; minus strand). Cytogenetic location: 16p13.11.
Variant type: single nucleotide variant.
Coding change: c.2668A>C on transcript NM_002474.3 (MANE Select); coding-DNA position 2668, A replaced by C.
Protein change: p.Asn890His; replaces asparagine 890 with histidine.
Molecular consequence: missense variant.
Genome position (GRCh38, 1-based): chr16:15,741,654, T>G on the plus strand (A>C on the coding strand, the complement: MYH11 is on the minus strand). VCF-style: chr16-15741654-T-G. GRCh37 (hg19) VCF-style: chr16-15835511-T-G.
Other names: c.2689A>C, p.Asn897His (NM_001040114.2, NM_001040113.2); c.2668A>C, p.Asn890His (NM_022844.3); short protein forms N890H, N897H.
Identifiers: ClinVar variation 3074498 (VCV003074498.1), dbSNP rs2506206441, ClinGen allele CA394865840.
Genomic context (GRCh38, chr16:15,741,654, plus strand): 5'-GCATCTCCTCAGCCTCTGCATACAGCTCTGTCTCTGCCTGCAGCTGTTCCTGTAGCAGGT[T>G]CTTCTCCTCGGTCAGCTGCACGCAGGTGGTGGGGAGGAGGCGGGTGAGCCCCACGGGGCC-3'
Protein context (NP_002465.1, residues 880-900): QKHSQLTEEK[Asn890His]LLQEQLQAET